The following is an entry in ClinVar:

NM_004380.3(CREBBP):c.1679C>A (p.Pro560Gln)

Gene: CREBBP (CREB binding lysine acetyltransferase; minus strand). Cytogenetic location: 16p13.3.
Variant type: single nucleotide variant.
Coding change: c.1679C>A on transcript NM_004380.3 (MANE Select); coding-DNA position 1679, C replaced by A.
Protein change: p.Pro560Gln; replaces proline 560 with glutamine.
Molecular consequence: missense variant.
Genome position (GRCh38, 1-based): chr16:3,780,876, G>T on the plus strand (C>A on the coding strand, the complement: CREBBP is on the minus strand). VCF-style: chr16-3780876-G-T. GRCh37 (hg19) VCF-style: chr16-3830877-G-T.
Other names: c.1565C>A, p.Pro522Gln (NM_001079846.1); short protein forms P522Q, P560Q.
Identifiers: ClinVar variation 2019912 (VCV002019912.4), dbSNP rs1227941220, ClinGen allele CA394556755.

ClinVar aggregate classification (germline): Uncertain significance (1 of 4 stars; one submission).

Conditions:
Rubinstein-Taybi syndrome (RSTS). Identifiers: Orphanet 783, MedGen C0035934, MONDO:0019188.

Allele frequency attached by ClinVar (database versions not stated): gnomAD exomes below 0.00001.
gnomAD v4.1: 1 of 1,613,268 alleles (0.000062%); highest among the groups gnomAD compares: Admixed American, 0.0017%; no homozygotes.

Submission:

Labcorp Genetics (formerly Invitae), Labcorp
Classification: Uncertain significance for Rubinstein-Taybi syndrome. Last evaluated: 2022-10-17. Review status: criteria provided, single submitter. Criteria: Invitae Variant Classification Sherloc (09022015). Collection method: clinical testing. Allele origin: germline.
Comment: In summary, the available evidence is currently insufficient to determine the role of this variant in disease. Therefore, it has been classified as a Variant of Uncertain Significance. Algorithms developed to predict the effect of missense changes on protein structure and function are either unavailable or do not agree on the potential impact of this missense change (SIFT: "Deleterious"; PolyPhen-2: "Benign"; Align-GVGD: "Class C0"). This variant has not been reported in the literature in individuals affected with CREBBP-related conditions. The frequency data for this variant in the population databases is considered unreliable, as metrics indicate poor data quality at this position in the gnomAD database. This sequence change replaces proline, which is neutral and non-polar, with glutamine, which is neutral and polar, at codon 560 of the CREBBP protein (p.Pro560Gln).